The following is an entry in ClinVar:

NM_001369.3(DNAH5):c.5980G>T (p.Gly1994Ter)

Gene: DNAH5 (dynein axonemal heavy chain 5; minus strand). Cytogenetic location: 5p15.2.
Variant type: single nucleotide variant.
Coding change: c.5980G>T on transcript NM_001369.3 (MANE Select); coding-DNA position 5980, G replaced by T.
Protein change: p.Gly1994Ter; replaces glycine 1994 with a stop codon.
Molecular consequence: nonsense.
Genome position (GRCh38, 1-based): chr5:13,830,678, C>A on the plus strand (G>T on the coding strand, the complement: DNAH5 is on the minus strand). VCF-style: chr5-13830678-C-A. GRCh37 (hg19) VCF-style: chr5-13830787-C-A.
Other names: short protein forms G1994*.
Identifiers: ClinVar variation 4814905 (VCV004814905.1).

ClinVar aggregate classification (germline): Likely pathogenic (1 of 4 stars; one submission).

Conditions:
Primary ciliary dyskinesia. Also called: Ciliary dyskinesia. Identifiers: Orphanet 244, MedGen C0008780, MONDO:0016575, HP:0012265.

Submission:

Natera, Inc.
Classification: Likely pathogenic for Primary ciliary dyskinesia. Last evaluated: 2024-08-02. Review status: criteria provided, single submitter. Criteria: Natera Variant Classification Schema (03/2026). Collection method: clinical testing. Allele origin: germline.
Comment: The c.5980G>T variant in DNAH5 is a nonsense variant predicted to introduce a stop codon at amino acid 1994. This variant is expected to result in nonsense mediated decay, truncation, or a dysfunctional protein product. This variant is rare in the general population with a frequency below the threshold expected for the associated phenotype(s). Given the available evidence, this variant is classified as Likely Pathogenic.